The following is an entry in ClinVar:

NM_004304.5(ALK):c.2045A>C (p.His682Pro)

Gene: ALK (ALK receptor tyrosine kinase; minus strand). Cytogenetic location: 2p23.2.
Variant type: single nucleotide variant.
Coding change: c.2045A>C on transcript NM_004304.5 (MANE Select); coding-DNA position 2045, A replaced by C.
Protein change: p.His682Pro; replaces histidine 682 with proline.
Molecular consequence: missense variant.
Genome position (GRCh38, 1-based): chr2:29,251,264, T>G on the plus strand (A>C on the coding strand, the complement: ALK is on the minus strand). VCF-style: chr2-29251264-T-G. GRCh37 (hg19) VCF-style: chr2-29474130-T-G.
Other names: short protein forms H682P.
Identifiers: ClinVar variation 3286544 (VCV003286544.1).

ClinVar aggregate classification (germline): Uncertain significance (1 of 4 stars; one submission).

Conditions:
Hereditary cancer-predisposing syndrome. Also called: Tumor predisposition; Hereditary Cancer Syndrome; Hereditary neoplastic syndrome; Neoplastic Syndromes, Hereditary. Identifiers: Orphanet 140162, MedGen C0027672, MeSH D009386, MONDO:0015356.

Submission:

Ambry Genetics
Classification: Uncertain significance for Hereditary cancer-predisposing syndrome. Last evaluated: 2024-06-16. Review status: criteria provided, single submitter. Criteria: Ambry Variant Classification Scheme 2023. Collection method: clinical testing. Allele origin: germline.
Comment: The p.H682P variant (also known as c.2045A>C), located in coding exon 12 of the ALK gene, results from an A to C substitution at nucleotide position 2045. The histidine at codon 682 is replaced by proline, an amino acid with similar properties. This amino acid position is conserved. In addition, the in silico prediction for this alteration is inconclusive. Based on the available evidence, the clinical significance of this variant remains unclear.